The following is an entry in ClinVar:

NM_014444.5(TUBGCP4):c.602A>C (p.Glu201Ala)

Gene: TUBGCP4 (tubulin gamma complex component 4; plus strand). Cytogenetic location: 15q15.3.
Variant type: single nucleotide variant.
Coding change: c.602A>C on transcript NM_014444.5 (MANE Select); coding-DNA position 602, A replaced by C.
Protein change: p.Glu201Ala; replaces glutamic acid 201 with alanine.
Molecular consequence: missense variant.
Genome position (GRCh38, 1-based): chr15:43,383,383, A>C. VCF-style: chr15-43383383-A-C. GRCh37 (hg19) VCF-style: chr15-43675581-A-C.
Other names: c.602A>C, p.Glu201Ala (NM_001286414.3); short protein forms E201A.
Identifiers: ClinVar variation 1923618 (VCV001923618.4), dbSNP rs1407284410, ClinGen allele CA392119977.
Genomic context (GRCh38, chr15:43,383,383, plus strand): 5'-GGGTCATGTATAAACAGCTCTCAGCCTGGATGCTCCATGGACTCCTCTTGGACCAGCATG[A>C]AGAATTCTTTATCAAACAGGGGCCATCTTCTGGTAATGTCAGTGCCCAGCCAGAAGAGGA-3'
Protein context (NP_055259.2, residues 191-211): MLHGLLLDQH[Glu201Ala]EFFIKQGPSS

ClinVar aggregate classification (germline): Uncertain significance (1 of 4 stars; one submission).

Allele frequency attached by ClinVar (database versions not stated): TOPMed below 0.00001; gnomAD 0.00001; gnomAD exomes 0.00001.
gnomAD v4.1: 16 of 1,614,046 alleles (0.00099%); highest among the groups gnomAD compares: Non-Finnish European, 0.0012%; no homozygotes.

Submission:

Labcorp Genetics (formerly Invitae), Labcorp
Classification: Uncertain significance. Last evaluated: 2023-09-13. Review status: criteria provided, single submitter. Criteria: Invitae Variant Classification Sherloc (09022015). Collection method: clinical testing. Allele origin: germline.
Comment: This sequence change replaces glutamic acid, which is acidic and polar, with alanine, which is neutral and non-polar, at codon 201 of the TUBGCP4 protein (p.Glu201Ala). This variant is present in population databases (no rsID available, gnomAD 0.0009%). This variant has not been reported in the literature in individuals affected with TUBGCP4-related conditions. ClinVar contains an entry for this variant (Variation ID: 1923618). Advanced modeling of protein sequence and biophysical properties (such as structural, functional, and spatial information, amino acid conservation, physicochemical variation, residue mobility, and thermodynamic stability) performed at Invitae indicates that this missense variant is not expected to disrupt TUBGCP4 protein function. In summary, the available evidence is currently insufficient to determine the role of this variant in disease. Therefore, it has been classified as a Variant of Uncertain Significance.